The following is an entry in ClinVar:

NM_206933.4(USH2A):c.6897G>A (p.Trp2299Ter)

Gene: USH2A (usherin; minus strand). Cytogenetic location: 1q41.
Variant type: single nucleotide variant.
Coding change: c.6897G>A on transcript NM_206933.4 (MANE Select); coding-DNA position 6897, G replaced by A.
Protein change: p.Trp2299Ter; replaces tryptophan 2299 with a stop codon.
Molecular consequence: nonsense.
Genome position (GRCh38, 1-based): chr1:215,970,685, C>T on the plus strand (G>A on the coding strand, the complement: USH2A is on the minus strand). VCF-style: chr1-215970685-C-T. GRCh37 (hg19) VCF-style: chr1-216144027-C-T.
Other names: short protein forms W2299*.
Identifiers: ClinVar variation 4817145 (VCV004817145.1).
Genomic context (GRCh38, chr1:215,970,685, plus strand): 5'-CAGTGGGCCCAGAGCACAACCTTTGGCCGTGCATGCTTGGACTCTGAAGGAATGTAAACT[C>T]CAAGGAGCAAATCCGTAAGCACGATAGCTGAGTTCTGAGGAATTGTGGATTAATATACCA-3'

ClinVar aggregate classification (germline): Likely pathogenic (1 of 4 stars; one submission).

Conditions:
Usher syndrome type 2A. Also called: RETINAL DISEASE IN USHER SYNDROME TYPE IIA, MODIFIER OF; USHER SYNDROME, TYPE IIA. Identifiers: Orphanet 231178, Orphanet 886, MedGen C1848634, MONDO:0010169, OMIM 276901.

Submission:

Natera, Inc.
Classification: Likely pathogenic for Usher syndrome type 2A. Last evaluated: 2025-07-24. Review status: criteria provided, single submitter. Criteria: Natera Variant Classification Schema (03/2026). Collection method: clinical testing. Allele origin: germline.
Comment: The c.6897G>A variant in USH2A is a nonsense variant predicted to introduce a stop codon at amino acid 2299. This variant is expected to result in nonsense mediated decay, truncation, or a dysfunctional protein product. This variant is rare in the general population with a frequency below the threshold expected for the associated phenotype(s). Given the available evidence, this variant is classified as Likely Pathogenic.